The following is an entry in ClinVar:

NM_170606.3(KMT2C):c.7443-16_7443-6del

Gene: KMT2C (lysine methyltransferase 2C; minus strand). Cytogenetic location: 7q36.1.
Variant type: Deletion.
Coding change: c.7443-16_7443-6del on transcript NM_170606.3 (MANE Select); 16 bases into the intron before coding-DNA position 7443 through 6 bases into the intron before coding-DNA position 7443, 11 bases deleted (TTTTTTTTTTT).
Molecular consequence: intron variant.
Genome position (GRCh38, 1-based): chr7:152,178,016-152,178,026, AAAAAAAAAAA deleted on the plus strand (TTTTTTTTTTT on the coding strand, the reverse complement: KMT2C is on the minus strand); deleting any 11 consecutive bases within chr7:152,178,016-152,178,042 gives the same sequence; the c. name uses the placement nearest the transcript's 3' end. VCF-style (leftmost placement, unchanged base first): chr7-152178015-TAAAAAAAAAAA-T. GRCh37 (hg19) VCF-style: chr7-151875100-TAAAAAAAAAAA-T.
Identifiers: ClinVar variation 2695362 (VCV002695362.8), dbSNP rs746018833, ClinGen allele CA835337197.

ClinVar aggregate classification (germline): Likely benign. Review status: criteria provided, multiple submitters, no conflicts (2 of 4 stars). 3 submissions from 3 submitters: Likely benign (3). Last evaluated 2026-04-01.

Submissions (3):

CeGaT Center for Human Genetics Tuebingen
Classification: Likely benign. Last evaluated: 2026-04-01. Review status: criteria provided, single submitter. Criteria: CeGaT Center For Human Genetics Tuebingen Variant Classification Criteria Version 2. Collection method: clinical testing. Allele origin: germline. Affected: yes. Observed: 2 variant alleles.
Comment: KMT2C: BP4, BS1

Labcorp Genetics (formerly Invitae), Labcorp
Classification: Likely benign. Last evaluated: 2026-01-23. Review status: criteria provided, single submitter. Criteria: Invitae Variant Classification Sherloc (09022015). Collection method: clinical testing. Allele origin: germline.

Blueprint Genetics
Classification: Likely benign. Last evaluated: 2024-09-16. Review status: criteria provided, single submitter. Criteria: ACMG Guidelines, 2015. Collection method: clinical testing. Allele origin: germline.